The following is an entry in ClinVar:

ClinVar aggregate classification (germline): Conflicting classifications of pathogenicity. Review status: criteria provided, conflicting classifications (1 of 4 stars). 11 submissions from 11 submitters: Uncertain significance (2); Benign (3); Likely benign (5). 1 of the submissions does not count toward it. Last evaluated 2025-12-24.

Conditions:
Hereditary cancer-predisposing syndrome. Also called: Hereditary Cancer Syndrome; Tumor predisposition; Hereditary neoplastic syndrome; Neoplastic Syndromes, Hereditary. Identifiers: Orphanet 140162, MedGen C0027672, MeSH D009386, MONDO:0015356.
Multiple endocrine neoplasia, type 1 (MEN1). Also called: MEN I; MEA I; WERMER SYNDROME; Endocrine adenomatosis multiple; MEN 1. Identifiers: Orphanet 652, MedGen C0025267, MeSH D018761, MONDO:0007540, OMIM 131100.

Allele frequency attached by ClinVar (database versions not stated): TOPMed 0.00006; gnomAD exomes 0.00008 and 0.00014; gnomAD 0.00009; ExAC 0.00017.

Submissions (11):

Labcorp Genetics (formerly Invitae), Labcorp
Classification: Benign for Multiple endocrine neoplasia, type 1. Last evaluated: 2025-12-24. Review status: criteria provided, single submitter. Criteria: Invitae Variant Classification Sherloc (09022015). Collection method: clinical testing. Allele origin: germline.

Dasa
Classification: Uncertain significance for Multiple endocrine neoplasia, type 1. Last evaluated: 2025-04-30. Review status: criteria provided, single submitter. Criteria: DASA Assertion Criteria. Collection method: clinical testing. Allele origin: germline.
Comment: NM_001370259.2(MEN1):c.655-4del is a splice-region variant. This variant is rare in population databases. The currently available literature and clinical evidence are not sufficient to establish a definitive association between this variant and the reported condition. Therefore, this variant is classified as a variant of uncertain significance.

Women's Health and Genetics/Laboratory Corporation of America, LabCorp
Classification: Benign. Last evaluated: 2025-04-25. Review status: criteria provided, single submitter. Criteria: LabCorp Variant Classification Summary - May 2015. Collection method: clinical testing. Allele origin: germline.
Comment: Variant summary: MEN1 c.655-4delT alters a non-conserved nucleotide located at a position not widely known to affect splicing. Consensus agreement among computation tools predict no significant impact on normal splicing. However, these predictions have yet to be confirmed by functional studies. The variant allele was found at a frequency of 0.00014 in 250948 control chromosomes. The observed variant frequency is approximately 6.89 fold of the estimated maximal expected allele frequency for a pathogenic variant in MEN1 causing Multiple Endocrine Neoplasia Type 1 phenotype (2.1e-05). To our knowledge, no occurrence of c.655-4delT in individuals affected with Multiple Endocrine Neoplasia Type 1 and no experimental evidence demonstrating its impact on protein function have been reported. ClinVar contains an entry for this variant (Variation ID: 241820). Based on the evidence outlined above, the variant was classified as benign.

ARUP Laboratories, Molecular Genetics and Genomics, ARUP Laboratories
Classification: Likely benign. Last evaluated: 2024-09-25. Review status: criteria provided, single submitter. Criteria: ARUP Molecular Germline Variant Investigation Process 2024. Collection method: clinical testing. Allele origin: germline.

Myriad Genetics, Inc.
Classification: Likely benign for Multiple endocrine neoplasia, type 1. Last evaluated: 2024-08-26. Review status: criteria provided, single submitter. Criteria: Myriad Autosomal Dominant, Autosomal Recessive and X-Linked Classification Criteria (2023). Collection method: clinical testing. Allele origin: unknown.
Comment: This variant is considered likely benign. This variant is intronic and is not expected to impact mRNA splicing. This variant has been observed at a population frequency that is significantly greater than expected given the associated disease prevalence and penetrance.

Blueprint Genetics
Classification: Likely benign. Last evaluated: 2023-03-31. Review status: criteria provided, single submitter. Criteria: ACMG Guidelines, 2015. Collection method: clinical testing. Allele origin: germline.

Color Diagnostics, LLC DBA Color Health
Classification: Likely benign for Multiple endocrine neoplasia, type 1. Last evaluated: 2022-02-18. Review status: criteria provided, single submitter. Criteria: ACMG Guidelines, 2015. Collection method: clinical testing. Allele origin: germline.

Sema4
Classification: Benign for Hereditary cancer-predisposing syndrome. Last evaluated: 2021-12-07. Review status: criteria provided, single submitter. Criteria: Sema4 Curation Guidelines. Collection method: curation. Allele origin: germline.

Ambry Genetics
Classification: Likely benign for Hereditary cancer-predisposing syndrome. Last evaluated: 2019-10-15. Review status: criteria provided, single submitter. Criteria: Ambry Variant Classification Scheme 2023. Collection method: clinical testing. Allele origin: germline.

Laboratory for Molecular Medicine, Mass General Brigham Personalized Medicine
Classification: Uncertain significance. Last evaluated: 2016-03-29. Review status: criteria provided, single submitter. Criteria: LMM Criteria. Collection method: clinical testing. Allele origin: germline.
Comment: Variant identified in a genome or exome case(s) and assessed due to predicted null impact of the variant or pathogenic assertions in the literature or databases. Disclaimer: This variant has not undergone full assessment. The following are preliminary notes: Intronic 1bp del unlikely to impact splicing; ExAC: 0.1% (13/16474) South Asian chromosomes

Counsyl
Classification: Likely benign for Multiple endocrine neoplasia, type 1. Last evaluated: 2018-03-01. Review status: no assertion criteria provided. Collection method: clinical testing. Allele origin: unknown. Not counted in ClinVar's aggregate classification.

Literature cited by the submitters: PubMed 10664520 (cited by 3 submitters).

NM_001370259.2(MEN1):c.655-4del

Gene: MEN1 (menin 1; minus strand). Cytogenetic location: 11q13.1.
Variant type: Deletion.
Coding change: c.655-4del on transcript NM_001370259.2 (MANE Select); 4 bases into the intron before coding-DNA position 655, one base deleted (T; older notation c.655-4delT).
Molecular consequence: intron variant.
Genome position (GRCh38, 1-based): chr11:64,807,684, A deleted on the plus strand (T on the coding strand, the reverse complement: MEN1 is on the minus strand). VCF-style (leftmost placement, unchanged base first): chr11-64807683-TA-T. GRCh37 (hg19) VCF-style: chr11-64575155-TA-T.
Other names: c.670-4delT (NM_130804.2); c.670-4del (NM_130804.3, NM_130803.3, NM_000244.4 and 3 more transcripts); c.655-4del (NM_130799.3, NM_001370260.2, NM_001370251.2 and 1 more transcripts); c.550-4del (NM_001370263.2, NM_001370262.2); c.655-4delT (NM_130799.3, NM_130799.2).
Identifiers: ClinVar variation 241820 (VCV000241820.29), dbSNP rs748005956, ClinGen allele CA061415.